The following is an entry in ClinVar:

NM_001384140.1(PCDH15):c.1039C>T (p.Leu347Phe)

Gene: PCDH15 (protocadherin related 15; minus strand). Cytogenetic location: 10q21.1.
Variant type: single nucleotide variant.
Coding change: c.1039C>T on transcript NM_001384140.1 (MANE Select); coding-DNA position 1039, C replaced by T.
Protein change: p.Leu347Phe; replaces leucine 347 with phenylalanine.
Molecular consequence: missense variant.
Genome position (GRCh38, 1-based): chr10:54,213,995, G>A on the plus strand (C>T on the coding strand, the complement: PCDH15 is on the minus strand). VCF-style: chr10-54213995-G-A. GRCh37 (hg19) VCF-style: chr10-55973755-G-A.
Other names: c.1054C>T, p.Leu352Phe (NM_001142763.2, NM_001142769.4, NM_001142771.2); c.1039C>T, p.Leu347Phe (NM_001142764.2, NM_001142765.2, NM_001142766.2 and 7 more transcripts); c.928C>T, p.Leu310Phe (NM_001142767.2); c.973C>T, p.Leu325Phe (NM_001142768.2, NM_001142773.2, NM_001354404.2); short protein forms L347F, L325F, L352F, L310F.
Identifiers: ClinVar variation 46434 (VCV000046434.52), dbSNP rs111033436, ClinGen allele CA138356.
Genomic context (GRCh38, chr10:54,213,995, plus strand): 5'-CCTTAATAACCAAATCAAATTTCTGGTGAAAGTCTCTGTTTACTGGCTCCAGGAGACTAA[G>A]TTCTGCTGTCCTAGGATGCATATGGAAAAATCGTGGGTAATCCTCAGGAGTCCCTGGAAG-3'
Protein context (NP_001371069.1, residues 337-357): FFHMHPRTAE[Leu347Phe]SLLEPVNRDF

ClinVar aggregate classification (germline): Conflicting classifications of pathogenicity. Review status: criteria provided, conflicting classifications (1 of 4 stars). 12 submissions from 12 submitters: Uncertain significance (2); Benign (6); Likely benign (2). 2 of the submissions do not count toward it. Last evaluated 2026-04-01.

Conditions:
Usher syndrome type 1 (USH1). Also called: RETINITIS PIGMENTOSA AND CONGENITAL DEAFNESS. Identifiers: Orphanet 231169, Orphanet 886, MedGen C1568247, MONDO:0010168, OMIM 276900.
Usher syndrome type 1F (USH1F). Also called: USHER SYNDROME, TYPE IF. Identifiers: Orphanet 231169, Orphanet 886, MedGen C1865885, MONDO:0011186, OMIM 602083.

Allele frequency attached by ClinVar (database versions not stated): gnomAD 0.00310 and 0.00318; TOPMed 0.00331; ExAC 0.00361; ESP Exome Variant Server 0.00346; 1000 Genomes Project 0.00120; 1000 Genomes Project 30x 0.00125; gnomAD exomes 0.00380.

Submissions (12):

CeGaT Center for Human Genetics Tuebingen
Classification: Likely benign. Last evaluated: 2026-04-01. Review status: criteria provided, single submitter. Criteria: CeGaT Center For Human Genetics Tuebingen Variant Classification Criteria Version 2. Collection method: clinical testing. Allele origin: germline. Affected: yes. Observed: 12 variant alleles.
Comment: PCDH15: BS2

Labcorp Genetics (formerly Invitae), Labcorp
Classification: Benign. Last evaluated: 2026-02-03. Review status: criteria provided, single submitter. Criteria: Invitae Variant Classification Sherloc (09022015). Collection method: clinical testing. Allele origin: germline.

Blueprint Genetics
Classification: Likely benign. Last evaluated: 2024-11-25. Review status: criteria provided, single submitter. Criteria: ACMG Guidelines, 2015. Collection method: clinical testing. Allele origin: germline.

Women's Health and Genetics/Laboratory Corporation of America, LabCorp
Classification: Benign. Last evaluated: 2022-03-11. Review status: criteria provided, single submitter. Criteria: LabCorp Variant Classification Summary - May 2015. Collection method: clinical testing. Allele origin: germline.
Comment: Variant summary: PCDH15 c.1039C>T (p.Leu347Phe) results in a non-conservative amino acid change in the encoded protein sequence. Four of five in-silico tools predict a damaging effect of the variant on protein function. The variant allele was found at a frequency of 0.0038 in 251374 control chromosomes, predominantly at a frequency of 0.005 within the Non-Finnish European subpopulation in the gnomAD database, including 3 homozygotes. The observed variant frequency within Non-Finnish European control individuals in the gnomAD database is approximately 1.6 fold of the estimated maximal expected allele frequency for a pathogenic variant in PCDH15 causing Usher Syndrome Type 1F phenotype (0.0032), strongly suggesting that the variant is a benign polymorphism found primarily in populations of Non-Finnish European origin. Although reported in the literature, to our knowledge, no penetrant association of c.1039C>T in individuals affected with Usher Syndrome Type 1F and no experimental evidence demonstrating its impact on protein function have been reported. Six clinical diagnostic laboratories have submitted clinical-significance assessments for this variant to ClinVar after 2014 without evidence for independent evaluation. Multiple laboratories reported the variant with conflicting assessments and a majority consensus as Benign (n=4) (VUS, n=2). Based on the evidence outlined above, the variant was classified as benign.

Genome-Nilou Lab
Classification: Uncertain significance for Usher syndrome type 1F. Last evaluated: 2021-05-18. Review status: criteria provided, single submitter. Criteria: ACMG Guidelines, 2015. Collection method: clinical testing. Allele origin: germline. Affected: no.

Athena Diagnostics
Classification: Benign. Last evaluated: 2020-07-22. Review status: criteria provided, single submitter. Criteria: Athena Diagnostics Criteria. Collection method: clinical testing. Allele origin: unknown.

GeneDx
Classification: Benign. Last evaluated: 2019-01-10. Review status: criteria provided, single submitter. Criteria: GeneDx Variant Classification Process June 2021. Collection method: clinical testing. Allele origin: germline. Affected: yes.
Comment: This variant is associated with the following publications: (PMID: 26969326)

Illumina Laboratory Services, Illumina
Classification: Uncertain significance for Usher syndrome type 1. Last evaluated: 2017-04-27. Review status: criteria provided, single submitter. Criteria: ICSL Variant Classification Criteria 13 December 2019. Collection method: clinical testing. Allele origin: germline.
Comment: This variant was observed as part of a predisposition screen in an ostensibly healthy population. A literature search was performed for the gene, cDNA change, and amino acid change (where applicable). Publications were found based on this search. However, the evidence from the literature, in combination with allele frequency data from public databases where available, was not sufficient to rule this variant in or out of causing disease. Therefore, this variant is classified as a variant of unknown significance.

Laboratory for Molecular Medicine, Mass General Brigham Personalized Medicine
Classification: Benign. Last evaluated: 2016-09-22. Review status: criteria provided, single submitter. Criteria: LMM Criteria. Collection method: clinical testing. Allele origin: germline. Observed: 26 variant alleles.
Comment: p.Leu347Phe in exon 10 of PCDH15: This variant has not been reported in the lite rature but has now been identified by our laboratory in 5/197 (2.5%) individuals with hearing loss yet none of these individuals had a second PCDH15 variant and one family had an alternate cause of hearing loss. In summary, this data sugges ts that the variant is benign. This variant is not expected to have clinical sig nificance, because it has been identified in 355/66702 European chromosomes by t he Exome Aggregation Consortium (ExAC; dbSNP rs1 11033436).

Eurofins Ntd Llc (ga)
Classification: Benign. Last evaluated: 2013-08-14. Review status: criteria provided, single submitter. Criteria: EGL Classification Definitions 2015. Collection method: clinical testing. Allele origin: germline. Observed: 3 variant alleles, 3 heterozygotes.

Clinical Genetics DNA and cytogenetics Diagnostics Lab, Erasmus MC, Erasmus Medical Center
Classification: Likely benign. Review status: no assertion criteria provided. Collection method: clinical testing. Allele origin: germline. Affected: yes. Study: VKGL Data-share Consensus. Not counted in ClinVar's aggregate classification.

Clinical Genetics, Academic Medical Center
Classification: Benign. Review status: no assertion criteria provided. Collection method: clinical testing. Allele origin: germline. Affected: yes. Study: VKGL Data-share Consensus. Not counted in ClinVar's aggregate classification.

Literature cited by the submitters: PubMed 21569298 (cited by Illumina Laboratory Services, Illumina).